The following is an entry in ClinVar:

NM_024678.6(NARS2):c.*4G>A

Gene: NARS2 (asparaginyl-tRNA synthetase 2, mitochondrial; minus strand). Cytogenetic location: 11q14.1.
Variant type: single nucleotide variant.
Coding change: c.*4G>A on transcript NM_024678.6 (MANE Select); 4 bases downstream of the stop codon, G replaced by A.
Molecular consequence: 3 prime UTR variant.
Genome position (GRCh38, 1-based): chr11:78,436,666, C>T on the plus strand (G>A on the coding strand, the complement: NARS2 is on the minus strand). VCF-style: chr11-78436666-C-T. GRCh37 (hg19) VCF-style: chr11-78147712-C-T.
Other names: c.*4G>A (NM_001243251.2).
Identifiers: ClinVar variation 381448 (VCV000381448.4), dbSNP rs181897672, ClinGen allele CA6205466.

ClinVar aggregate classification (germline): Benign. Review status: criteria provided, multiple submitters, no conflicts (2 of 4 stars). 3 submissions from 3 submitters: Benign (3). Last evaluated 2023-11-03.

Allele frequency attached by ClinVar (database versions not stated): ExAC 0.00218; ESP Exome Variant Server 0.00547; gnomAD 0.00567 and 0.00520; gnomAD exomes 0.00111 and 0.00207; 1000 Genomes Project 0.00280; 1000 Genomes Project 30x 0.00312; TOPMed 0.00613.
gnomAD v4.1: 2,522 of 1,614,016 alleles (0.16%); highest among the groups gnomAD compares: African/African-American, 1.3%; 14 homozygotes.

Submissions (3):

Mayo Clinic Laboratories, Mayo Clinic
Classification: Benign. Last evaluated: 2023-11-03. Review status: criteria provided, single submitter. Criteria: ACMG Guidelines, 2015. Collection method: clinical testing. Allele origin: germline. Observed: 2 variant alleles.
Comment: BS1, BS2, BP4, BP7

GeneDx
Classification: Benign. Last evaluated: 2018-08-27. Review status: criteria provided, single submitter. Criteria: GeneDx Variant Classification Process June 2021. Collection method: clinical testing. Allele origin: germline. Affected: yes.

Breakthrough Genomics
Classification: Benign. Review status: criteria provided, single submitter. Criteria: ACMG Guidelines, 2015. Collection method: not provided. Allele origin: germline. Inheritance: Autosomal recessive inheritance. Affected: yes.